The following is an entry in ClinVar:

ClinVar aggregate classification (germline): Uncertain significance (1 of 4 stars; one submission).

Allele frequency attached by ClinVar (database versions not stated): TOPMed 0.00001; ExAC 0.00034; gnomAD exomes 0.00042; gnomAD 0.00045.
gnomAD v4.1: 320 of 1,613,872 alleles (0.02%); highest among the groups gnomAD compares: East Asian, 0.0022%; no homozygotes.

Submission:

Ambry Genetics
Classification: Uncertain significance. Last evaluated: 2021-06-20. Review status: criteria provided, single submitter. Criteria: Ambry Variant Classification Scheme 2023. Collection method: clinical testing. Allele origin: germline.
Comment: The p.T2072I variant (also known as c.6215C>T), located in coding exon 10 of the ALPK2 gene, results from a C to T substitution at nucleotide position 6215. The threonine at codon 2072 is replaced by isoleucine, an amino acid with similar properties. This amino acid position is conserved. In addition, the in silico prediction for this alteration is inconclusive. Since supporting evidence is limited at this time, the clinical significance of this alteration remains unclear.

NM_052947.4(ALPK2):c.6215C>T (p.Thr2072Ile)

Gene: ALPK2 (alpha kinase 2; minus strand). Cytogenetic location: 18q21.31.
Variant type: single nucleotide variant.
Coding change: c.6215C>T on transcript NM_052947.4 (MANE Select); coding-DNA position 6215, C replaced by T.
Protein change: p.Thr2072Ile; replaces threonine 2072 with isoleucine.
Molecular consequence: missense variant.
Genome position (GRCh38, 1-based): chr18:58,503,963, G>A on the plus strand (C>T on the coding strand, the complement: ALPK2 is on the minus strand). VCF-style: chr18-58503963-G-A. GRCh37 (hg19) VCF-style: chr18-56171195-G-A.
Other names: short protein forms T2072I.
Identifiers: ClinVar variation 1752234 (VCV001752234.2), dbSNP rs201226602, ClinGen allele CA8976234.
Genomic context (GRCh38, chr18:58,503,963, plus strand): 5'-GGAGCCTGGGCTAAGCTGCTTTCCTCACCTTGCATGTCCGTCACCAGGAGGCAGCCACTT[G>A]TTTTCTGGTACACCCAGTGCTGGAAGGTGCAACATTTCTGACCAGCTTCTGATTCTCTTC-3'
Protein context (NP_443179.3, residues 2062-2082): CTFQHWVYQK[Thr2072Ile]SGCLLVTDMQ